The following is an entry in ClinVar:

ClinVar aggregate classification (germline): Uncertain significance (1 of 4 stars; one submission).

Submission:

Labcorp Genetics (formerly Invitae), Labcorp
Classification: Uncertain significance. Last evaluated: 2022-10-24. Review status: criteria provided, single submitter. Criteria: Invitae Variant Classification Sherloc (09022015). Collection method: clinical testing. Allele origin: germline.
Comment: This sequence change replaces alanine, which is neutral and non-polar, with threonine, which is neutral and polar, at codon 51 of the APOPT1 protein (p.Ala51Thr). Information on the frequency of this variant in the gnomAD database is not available, as this variant may be reported differently in the database. This variant has not been reported in the literature in individuals affected with APOPT1-related conditions. ClinVar contains an entry for this variant (Variation ID: 1011681). Experimental studies and prediction algorithms are not available or were not evaluated, and the functional significance of this variant is currently unknown. In summary, the available evidence is currently insufficient to determine the role of this variant in disease. Therefore, it has been classified as a Variant of Uncertain Significance.

NM_001370595.2(COA8):c.111_112delinsAA (p.Ala38Thr)

Gene: COA8 (cytochrome c oxidase assembly factor 8; plus strand). Cytogenetic location: 14q32.33.
Variant type: Indel.
Coding change: c.111_112delinsAA on transcript NM_001370595.2 (MANE Select); coding-DNA positions 111 to 112, GG replaced by AA.
Protein change: p.Ala38Thr; replaces alanine 38 with threonine.
Molecular consequence: missense variant. On other transcripts: non-coding transcript variant (2).
Genome position (GRCh38, 1-based): chr14:103,563,112-103,563,113, GG replaced by AA. VCF-style: chr14-103563112-GG-AA. GRCh37 (hg19) VCF-style: chr14-104029449-GG-AA.
Other names: c.111_112delinsAA, p.Ala38Thr (NM_001302653.2, NM_001302654.2); short protein forms A38T.
Identifiers: ClinVar variation 1011681 (VCV001011681.4), dbSNP rs2076100192, ClinGen allele CA2160367108.